The following is an entry in ClinVar:

ClinVar aggregate classification (germline): Pathogenic (1 of 4 stars; one submission).

Conditions:
Primary ciliary dyskinesia. Also called: Ciliary dyskinesia. Identifiers: Orphanet 244, MedGen C0008780, MONDO:0016575, HP:0012265.

Submission:

Labcorp Genetics (formerly Invitae), Labcorp
Classification: Pathogenic for Primary ciliary dyskinesia. Last evaluated: 2022-06-14. Review status: criteria provided, single submitter. Criteria: Invitae Variant Classification Sherloc (09022015). Collection method: clinical testing. Allele origin: germline.
Comment: For these reasons, this variant has been classified as Pathogenic. This variant has not been reported in the literature in individuals affected with DNAH8-related conditions. This variant is not present in population databases (gnomAD no frequency). This sequence change creates a premature translational stop signal (p.Glu1047*) in the DNAH8 gene. It is expected to result in an absent or disrupted protein product. Loss-of-function variants in DNAH8 are known to be pathogenic (PMID: 24307375, 32619401, 32681648).

Literature cited by the submitters: PubMed 24307375; PubMed 32619401; PubMed 32681648.

NM_001206927.2(DNAH8):c.3139G>T (p.Glu1047Ter)

Gene: DNAH8 (dynein axonemal heavy chain 8; plus strand). Cytogenetic location: 6p21.2.
Variant type: single nucleotide variant.
Coding change: c.3139G>T on transcript NM_001206927.2 (MANE Select); coding-DNA position 3139, G replaced by T.
Protein change: p.Glu1047Ter; replaces glutamic acid 1047 with a stop codon.
Molecular consequence: nonsense.
Genome position (GRCh38, 1-based): chr6:38,805,585, G>T. VCF-style: chr6-38805585-G-T. GRCh37 (hg19) VCF-style: chr6-38773361-G-T.
Other names: c.2488G>T, p.Glu830Ter (NM_001371.4); short protein forms E1047*, E830*.
Identifiers: ClinVar variation 2006154 (VCV002006154.4), dbSNP rs2532519909, ClinGen allele CA363995660.